The following is an entry in ClinVar:

NM_152383.5(DIS3L2):c.1609A>C (p.Lys537Gln)

Gene: DIS3L2 (DIS3 like 3'-5' exoribonuclease 2; plus strand). Cytogenetic location: 2q37.1.
Variant type: single nucleotide variant.
Coding change: c.1609A>C on transcript NM_152383.5 (MANE Select); coding-DNA position 1609, A replaced by C.
Protein change: p.Lys537Gln; replaces lysine 537 with glutamine.
Molecular consequence: missense variant. On other transcripts: non-coding transcript variant (2), intron variant (1).
Genome position (GRCh38, 1-based): chr2:232,263,390, A>C. VCF-style: chr2-232263390-A-C. GRCh37 (hg19) VCF-style: chr2-233128100-A-C.
Other names: c.1581+28A>C (NM_001257281.2); short protein forms K537Q.
Identifiers: ClinVar variation 946954 (VCV000946954.7), dbSNP rs954655897, ClinGen allele CA66901556.

ClinVar aggregate classification (germline): Uncertain significance (1 of 4 stars; one submission).

Conditions:
Perlman syndrome (PRLMNS). Identifiers: Orphanet 2849, MedGen C0796113, MONDO:0009965, OMIM 267000.

gnomAD v4.1: 3 of 1,614,082 alleles (0.00019%); highest among the groups gnomAD compares: Non-Finnish European, 0.00017%; no homozygotes.

Submission:

Labcorp Genetics (formerly Invitae), Labcorp
Classification: Uncertain significance for Perlman syndrome. Last evaluated: 2021-09-01. Review status: criteria provided, single submitter. Criteria: Invitae Variant Classification Sherloc (09022015). Collection method: clinical testing. Allele origin: germline.
Comment: This sequence change replaces lysine with glutamine at codon 537 of the DIS3L2 protein (p.Lys537Gln). The lysine residue is moderately conserved and there is a small physicochemical difference between lysine and glutamine. This variant is not present in population databases (ExAC no frequency). This variant has not been reported in the literature in individuals affected with DIS3L2-related conditions. Algorithms developed to predict the effect of missense changes on protein structure and function output the following: SIFT: "Tolerated"; PolyPhen-2: "Benign"; Align-GVGD: "Class C0". The glutamine amino acid residue is found in multiple mammalian species, which suggests that this missense change does not adversely affect protein function. In summary, the available evidence is currently insufficient to determine the role of this variant in disease. Therefore, it has been classified as a Variant of Uncertain Significance.